The following is an entry in ClinVar:

NM_145207.3(AFG2A):c.1147+2T>C

Gene: AFG2A (AAA ATPase AFG2A; plus strand). Cytogenetic location: 4q28.1.
Variant type: single nucleotide variant.
Coding change: c.1147+2T>C on transcript NM_145207.3 (MANE Select); the canonical splice donor site of the intron after coding-DNA position 1147, T replaced by C.
Molecular consequence: splice donor variant.
Genome position (GRCh38, 1-based): chr4:122,934,740, T>C. VCF-style: chr4-122934740-T-C. GRCh37 (hg19) VCF-style: chr4-123855895-T-C.
Other names: c.1144+2T>C (NM_001345856.2, NM_001317799.2).
Identifiers: ClinVar variation 3750947 (VCV003750947.2).

ClinVar aggregate classification (germline): Likely pathogenic (1 of 4 stars; one submission).

Conditions:
Microcephaly-intellectual disability-sensorineural hearing loss-epilepsy-abnormal muscle tone syndrome (NEDHSB). Also called: NEURODEVELOPMENTAL DISORDER WITH HEARING LOSS, SEIZURES, AND BRAIN ABNORMALITIES. Identifiers: Orphanet 457351, MedGen C4225276, MONDO:0014698, OMIM 616577.

Submission:

Labcorp Genetics (formerly Invitae), Labcorp
Classification: Likely pathogenic for Microcephaly-intellectual disability-sensorineural hearing loss-epilepsy-abnormal muscle tone syndrome. Last evaluated: 2022-11-02. Review status: criteria provided, single submitter. Criteria: Invitae Variant Classification Sherloc (09022015). Collection method: clinical testing. Allele origin: germline.
Comment: This variant has not been reported in the literature in individuals affected with SPATA5-related conditions. This variant is not present in population databases (gnomAD no frequency). This sequence change affects a donor splice site in intron 5 of the SPATA5 gene. It is expected to disrupt RNA splicing. Variants that disrupt the donor or acceptor splice site typically lead to a loss of protein function (PMID: 16199547), and loss-of-function variants in SPATA5 are known to be pathogenic (PMID: 26299366). In summary, the currently available evidence indicates that the variant is pathogenic, but additional data are needed to prove that conclusively. Therefore, this variant has been classified as Likely Pathogenic. Algorithms developed to predict the effect of sequence changes on RNA splicing suggest that this variant may disrupt the consensus splice site.

Literature cited by the submitters: PubMed 16199547; PubMed 26299366.